The following is an entry in ClinVar:

NM_020964.3(EPG5):c.2275A>G (p.Asn759Asp)

Gene: EPG5 (ectopic P-granules 5 autophagy tethering factor; minus strand). Cytogenetic location: 18q21.1.
Variant type: single nucleotide variant.
Coding change: c.2275A>G on transcript NM_020964.3 (MANE Select); coding-DNA position 2275, A replaced by G.
Protein change: p.Asn759Asp; replaces asparagine 759 with aspartic acid.
Molecular consequence: missense variant.
Genome position (GRCh38, 1-based): chr18:45,930,813, T>C on the plus strand (A>G on the coding strand, the complement: EPG5 is on the minus strand). VCF-style: chr18-45930813-T-C. GRCh37 (hg19) VCF-style: chr18-43510779-T-C.
Other names: c.2275A>G, p.Asn759Asp (NM_001410858.1, NM_001410859.1); short protein forms N759D.
Identifiers: ClinVar variation 2126315 (VCV002126315.2), dbSNP rs2511922737, ClinGen allele CA402347449.

ClinVar aggregate classification (germline): Uncertain significance (1 of 4 stars; one submission).

Conditions:
Vici syndrome (VICIS). Identifiers: Orphanet 1493, MedGen C1855772, MONDO:0009452, OMIM 242840.

Submission:

Labcorp Genetics (formerly Invitae), Labcorp
Classification: Uncertain significance for Vici syndrome. Last evaluated: 2022-04-15. Review status: criteria provided, single submitter. Criteria: Invitae Variant Classification Sherloc (09022015). Collection method: clinical testing. Allele origin: germline.
Comment: This sequence change replaces asparagine, which is neutral and polar, with aspartic acid, which is acidic and polar, at codon 759 of the EPG5 protein (p.Asn759Asp). This variant is not present in population databases (gnomAD no frequency). This variant has not been reported in the literature in individuals affected with EPG5-related conditions. Algorithms developed to predict the effect of missense changes on protein structure and function (SIFT, PolyPhen-2, Align-GVGD) all suggest that this variant is likely to be tolerated. In summary, the available evidence is currently insufficient to determine the role of this variant in disease. Therefore, it has been classified as a Variant of Uncertain Significance.